The following is an entry in ClinVar:

NM_001267550.2(TTN):c.83073T>C (p.Ala27691=)

Genes: TTN (titin; minus strand), TTN-AS1 (TTN antisense RNA 1; plus strand). Cytogenetic location: 2q31.2.
Variant type: single nucleotide variant.
Coding change: c.83073T>C on transcript NM_001267550.2 (MANE Select); coding-DNA position 83073, T replaced by C.
Protein change: p.Ala27691=; no amino-acid change (alanine 27691 retained).
Molecular consequence: synonymous variant.
Genome position (GRCh38, 1-based): chr2:178,563,059, A>G on the plus strand (T>C on the coding strand, the complement: TTN is on the minus strand). VCF-style: chr2-178563059-A-G. GRCh37 (hg19) VCF-style: chr2-179427786-A-G.
Other names: c.78150T>C, p.Ala26050= (NM_001256850.1); c.55878T>C, p.Ala18626= (NM_003319.4); c.75369T>C, p.Ala25123= (NM_133378.4); c.56253T>C, p.Ala18751= (NM_133432.3); c.56454T>C, p.Ala18818= (NM_133437.4).
Identifiers: ClinVar variation 264558 (VCV000264558.17), dbSNP rs569803719, ClinGen allele CA1988975.

ClinVar aggregate classification (germline): Likely benign. Review status: criteria provided, multiple submitters, no conflicts (2 of 4 stars). 3 submissions from 3 submitters: Likely benign (3). Last evaluated 2026-01-27.

Conditions:
Cardiovascular phenotype. Identifiers: MedGen CN230736.
TTN-related disorder. Also called: TTN-related condition; TTN-related disease; TTN-related disorders.
Autosomal recessive limb-girdle muscular dystrophy type 2J (LGMDR10). Also called: MUSCULAR DYSTROPHY, LIMB-GIRDLE, AUTOSOMAL RECESSIVE 10; Limb-girdle muscular dystrophy, type 2J. Identifiers: Orphanet 140922, MedGen C1837342, MONDO:0012127, OMIM 608807.
Dilated cardiomyopathy 1G (CMD1G). Identifiers: Orphanet 154, MedGen C1858763, MONDO:0011400, OMIM 604145.

Allele frequency attached by ClinVar (database versions not stated): gnomAD exomes 0.00001; ExAC 0.00002; gnomAD 0.00007 and 0.00009; TOPMed 0.00017; 1000 Genomes Project 0.00040; 1000 Genomes Project 30x 0.00062.
gnomAD v4.1: 22 of 1,613,702 alleles (0.0014%); highest among the groups gnomAD compares: Admixed American, 0.025%; no homozygotes.

Submissions (3):

Labcorp Genetics (formerly Invitae), Labcorp
Classification: Likely benign for Dilated cardiomyopathy 1G; Autosomal recessive limb-girdle muscular dystrophy type 2J. Last evaluated: 2026-01-27. Review status: criteria provided, single submitter. Criteria: Invitae Variant Classification Sherloc (09022015). Collection method: clinical testing. Allele origin: germline.

PreventionGenetics, part of Exact Sciences
Classification: Likely benign for TTN-related condition. Last evaluated: 2025-07-25. Review status: criteria provided, single submitter. Criteria: ACMG Guidelines, 2015. Collection method: clinical testing. Allele origin: germline.
Comment: This variant is classified as likely benign based on ACMG/AMP sequence variant interpretation guidelines (Richards et al. 2015 PMID: 25741868, with internal and published modifications).

Ambry Genetics
Classification: Likely benign for Cardiovascular phenotype. Last evaluated: 2015-11-24. Review status: criteria provided, single submitter. Criteria: Ambry Variant Classification Scheme 2023. Collection method: clinical testing. Allele origin: germline.